The following is an entry in ClinVar:

ClinVar aggregate classification (germline): Pathogenic (1 of 4 stars; one submission).

Conditions:
Chondrodysplasia punctata, brachytelephalangic, autosomal. Also called: BRACHYTELEPHALANGIC CHONDRODYSPLASIA PUNCTATA. Identifiers: MedGen C1844853, MONDO:0011238, OMIM 602497.

Submission:

Labcorp Genetics (formerly Invitae), Labcorp
Classification: Pathogenic for Chondrodysplasia punctata, brachytelephalangic, autosomal. Last evaluated: 2024-01-17. Review status: criteria provided, single submitter. Criteria: Invitae Variant Classification Sherloc (09022015). Collection method: clinical testing. Allele origin: germline.
Comment: This sequence change creates a premature translational stop signal (p.Met44Thrfs*15) in the ARSE gene. It is expected to result in an absent or disrupted protein product. Loss-of-function variants in ARSE are known to be pathogenic (PMID: 9497243, 23470839). This variant is not present in population databases (gnomAD no frequency). This variant has not been reported in the literature in individuals affected with ARSE-related conditions. For these reasons, this variant has been classified as Pathogenic.

Literature cited by the submitters: PubMed 9497243; PubMed 23470839.

NM_000047.3(ARSL):c.131_140del (p.Met44fs)

Gene: ARSL (arylsulfatase L; minus strand). Cytogenetic location: Xp22.33.
Variant type: Deletion.
Coding change: c.131_140del on transcript NM_000047.3 (MANE Select); coding-DNA positions 131 to 140, 10 bases deleted (TGGCGGACGA; older notation c.131_140delTGGCGGACGA).
Protein change: p.Met44fs; shifts the reading frame from methionine 44.
Molecular consequence: frameshift variant. On other transcripts: intron variant (1).
Genome position (GRCh38, 1-based): chrX:2,958,319-2,958,328, TCGTCCGCCA deleted on the plus strand (TGGCGGACGA on the coding strand, the reverse complement: ARSL is on the minus strand); deleting any 10 consecutive bases within chrX:2,958,319-2,958,330 gives the same sequence; the c. name uses the placement nearest the transcript's 3' end. VCF-style (leftmost placement, unchanged base first): chrX-2958318-GTCGTCCGCCA-G. GRCh37 (hg19) VCF-style: chrX-2876359-GTCGTCCGCCA-G.
Other names: c.206_215del, p.Met69fs (NM_001282628.2, NM_001369080.1); c.158_167del, p.Met53fs (NM_001369079.1); c.23+2050_23+2059del (NM_001282631.2); short protein forms M69fs, M44fs, M53fs.
Identifiers: ClinVar variation 2709852 (VCV002709852.3), dbSNP rs2518385011, ClinGen allele CA2697552842.